The following is an entry in ClinVar:

NM_015559.3(SETBP1):c.3815G>A (p.Ser1272Asn)

Gene: SETBP1 (SET binding protein 1; plus strand). Cytogenetic location: 18q12.3.
Variant type: single nucleotide variant.
Coding change: c.3815G>A on transcript NM_015559.3 (MANE Select); coding-DNA position 3815, G replaced by A.
Protein change: p.Ser1272Asn; replaces serine 1272 with asparagine.
Molecular consequence: missense variant.
Genome position (GRCh38, 1-based): chr18:44,953,155, G>A. VCF-style: chr18-44953155-G-A. GRCh37 (hg19) VCF-style: chr18-42533120-G-A.
Other names: c.3815G>A, p.Ser1272Asn (NM_001379141.1, NM_001379142.1, NM_001410862.1); short protein forms S1272N.
Identifiers: ClinVar variation 2823602 (VCV002823602.23), dbSNP rs2511477397, ClinGen allele CA402325242.
Genomic context (GRCh38, chr18:44,953,155, plus strand): 5'-GCAGTGAGCCTGTGGACTCATGCACGAAAAGATACTCTGGCAGTGGCGGGGATGGTGGCA[G>A]CACGAGATCAGAGAACCTGGACGTGTTCAGTGAAATGAACCCTTCGAATGACAAGTGGGA-3'
Protein context (NP_056374.2, residues 1262-1282): RYSGSGGDGG[Ser1272Asn]TRSENLDVFS

ClinVar aggregate classification (germline): Uncertain significance. Review status: criteria provided, multiple submitters, no conflicts (2 of 4 stars). 2 submissions from 2 submitters: Uncertain significance (2). Last evaluated 2024-04-01.

Allele frequency attached by ClinVar (database versions not stated): gnomAD exomes below 0.00001.
gnomAD v4.1: 1 of 1,614,078 alleles (0.000062%); highest among the groups gnomAD compares: Non-Finnish European, 0.000085%; no homozygotes.

Submissions (2):

CeGaT Center for Human Genetics Tuebingen
Classification: Uncertain significance. Last evaluated: 2024-04-01. Review status: criteria provided, single submitter. Criteria: CeGaT Center For Human Genetics Tuebingen Variant Classification Criteria Version 2. Collection method: clinical testing. Allele origin: germline. Affected: yes. Observed: 1 variant allele.
Comment: SETBP1: PM2, BP4

Labcorp Genetics (formerly Invitae), Labcorp
Classification: Uncertain significance. Last evaluated: 2022-12-23. Review status: criteria provided, single submitter. Criteria: Invitae Variant Classification Sherloc (09022015). Collection method: clinical testing. Allele origin: germline.
Comment: This sequence change replaces serine, which is neutral and polar, with asparagine, which is neutral and polar, at codon 1272 of the SETBP1 protein (p.Ser1272Asn). This variant is not present in population databases (gnomAD no frequency). This variant has not been reported in the literature in individuals affected with SETBP1-related conditions. Advanced modeling of protein sequence and biophysical properties (such as structural, functional, and spatial information, amino acid conservation, physicochemical variation, residue mobility, and thermodynamic stability) performed at Invitae indicates that this missense variant is not expected to disrupt SETBP1 protein function. In summary, the available evidence is currently insufficient to determine the role of this variant in disease. Therefore, it has been classified as a Variant of Uncertain Significance.